The following is an entry in ClinVar:

ClinVar aggregate classification (germline): Uncertain significance (1 of 4 stars; one submission).

Conditions:
Neuroblastoma, susceptibility to, 3. Also called: ALK-Related Neuroblastic Tumor Susceptibility. Identifiers: Orphanet 635, MedGen C2751681, MONDO:0013083, OMIM 613014.

Allele frequency attached by ClinVar (database versions not stated): gnomAD exomes 0.00001.
gnomAD v4.1: 2 of 1,614,188 alleles (0.00012%); highest among the groups gnomAD compares: East Asian, 0.0045%; no homozygotes.

Submission:

Labcorp Genetics (formerly Invitae), Labcorp
Classification: Uncertain significance for Neuroblastoma, susceptibility to, 3. Last evaluated: 2021-08-06. Review status: criteria provided, single submitter. Criteria: Invitae Variant Classification Sherloc (09022015). Collection method: clinical testing. Allele origin: germline.
Comment: In summary, the available evidence is currently insufficient to determine the role of this variant in disease. Therefore, it has been classified as a Variant of Uncertain Significance. Algorithms developed to predict the effect of missense changes on protein structure and function are either unavailable or do not agree on the potential impact of this missense change (SIFT: "Deleterious"; PolyPhen-2: "Probably Damaging"; Align-GVGD: "Class C0"). This variant has not been reported in the literature in individuals affected with ALK-related conditions. This variant is not present in population databases (ExAC no frequency). This sequence change replaces aspartic acid with asparagine at codon 1372 of the ALK protein (p.Asp1372Asn). The aspartic acid residue is highly conserved and there is a small physicochemical difference between aspartic acid and asparagine.

NM_004304.5(ALK):c.4114G>A (p.Asp1372Asn)

Gene: ALK (ALK receptor tyrosine kinase; minus strand). Cytogenetic location: 2p23.2.
Variant type: single nucleotide variant.
Coding change: c.4114G>A on transcript NM_004304.5 (MANE Select); coding-DNA position 4114, G replaced by A.
Protein change: p.Asp1372Asn; replaces aspartic acid 1372 with asparagine.
Molecular consequence: missense variant.
Genome position (GRCh38, 1-based): chr2:29,196,820, C>T on the plus strand (G>A on the coding strand, the complement: ALK is on the minus strand). VCF-style: chr2-29196820-C-T. GRCh37 (hg19) VCF-style: chr2-29419686-C-T.
Other names: c.910G>A, p.Asp304Asn (NM_001353765.2); short protein forms D1372N, D304N.
Identifiers: ClinVar variation 1372927 (VCV001372927.6), dbSNP rs535864522, ClinGen allele CA346465197.